The following is an entry in ClinVar:

ClinVar aggregate classification (germline): Benign. Review status: criteria provided, multiple submitters, no conflicts (2 of 4 stars). 2 submissions from 2 submitters: Benign (2). Last evaluated 2018-01-13.

Conditions:
Purine-nucleoside phosphorylase deficiency. Also called: NUCLEOSIDE PHOSPHORYLASE DEFICIENCY; Immunodeficiency due to purine nucleoside phosphorylase deficiency. Identifiers: Orphanet 760, MedGen C0268125, MONDO:0013171, OMIM 613179.

Allele frequency attached by ClinVar (database versions not stated): 1000 Genomes Project 0.04613; 1000 Genomes Project 30x 0.04653; gnomAD exomes 0.05321; gnomAD 0.05450 and 0.05560; TOPMed 0.05482.
gnomAD v4.1: 26,795 of 498,602 alleles (5.4%); highest among the groups gnomAD compares: Non-Finnish European, 6.2%; 819 homozygotes.

Submissions (2):

Illumina Laboratory Services, Illumina
Classification: Benign for Purine-nucleoside phosphorylase deficiency. Last evaluated: 2018-01-13. Review status: criteria provided, single submitter. Criteria: ICSL Variant Classification Criteria 13 December 2019. Collection method: clinical testing. Allele origin: germline.
Comment: This variant was observed in the ICSL laboratory as part of a predisposition screen in an ostensibly healthy population. It had not been previously curated by ICSL or reported in the Human Gene Mutation Database (HGMD: prior to June 1st, 2018), and was therefore a candidate for classification through an automated scoring system. Utilizing variant allele frequency, disease prevalence and penetrance estimates, and inheritance mode, an automated score was calculated to assess if this variant is too frequent to cause the disease. Based on the score and internal cut-off values, a variant classified as benign is not then subjected to further curation. The score for this variant resulted in a classification of benign for this disease.

Breakthrough Genomics
Classification: Benign. Review status: criteria provided, single submitter. Criteria: ACMG Guidelines, 2015. Collection method: not provided. Allele origin: germline. Inheritance: Autosomal recessive inheritance. Affected: yes.

NM_000270.4(PNP):c.*254C>T

Gene: PNP (purine nucleoside phosphorylase; plus strand). Cytogenetic location: 14q11.2.
Variant type: single nucleotide variant.
Coding change: c.*254C>T on transcript NM_000270.4 (MANE Select); 254 bases downstream of the stop codon, C replaced by T.
Molecular consequence: 3 prime UTR variant.
Genome position (GRCh38, 1-based): chr14:20,476,855, C>T. VCF-style: chr14-20476855-C-T. GRCh37 (hg19) VCF-style: chr14-20945014-C-T.
Identifiers: ClinVar variation 312738 (VCV000312738.6), dbSNP rs7785, ClinGen allele CA10634675.